The following is an entry in ClinVar:

NM_001375567.1(FOCAD):c.935G>A (p.Gly312Glu)

Gene: FOCAD (focadhesin; plus strand). Cytogenetic location: 9p21.3.
Variant type: single nucleotide variant.
Coding change: c.935G>A on transcript NM_001375567.1 (MANE Select); coding-DNA position 935, G replaced by A.
Protein change: p.Gly312Glu; replaces glycine 312 with glutamic acid.
Molecular consequence: missense variant.
Genome position (GRCh38, 1-based): chr9:20,778,709, G>A. VCF-style: chr9-20778709-G-A. GRCh37 (hg19) VCF-style: chr9-20778708-G-A.
Other names: c.935G>A, p.Gly312Glu (NM_001375568.1, NM_017794.5); c.830G>A, p.Gly277Glu (NM_001375570.1); short protein forms G312E, G277E.
Identifiers: ClinVar variation 2700287 (VCV002700287.3), dbSNP rs750263830, ClinGen allele CA5006547.

ClinVar aggregate classification (germline): Uncertain significance (1 of 4 stars; one submission).

Allele frequency attached by ClinVar (database versions not stated): gnomAD exomes below 0.00001; ExAC 0.00001; gnomAD 0.00001.
gnomAD v4.1: 2 of 1,611,884 alleles (0.00012%); highest among the groups gnomAD compares: East Asian, 0.0022%; no homozygotes.

Submission:

Labcorp Genetics (formerly Invitae), Labcorp
Classification: Uncertain significance. Last evaluated: 2023-12-01. Review status: criteria provided, single submitter. Criteria: Invitae Variant Classification Sherloc (09022015). Collection method: clinical testing. Allele origin: germline.
Comment: This sequence change replaces glycine, which is neutral and non-polar, with glutamic acid, which is acidic and polar, at codon 312 of the FOCAD protein (p.Gly312Glu). This variant is not present in population databases (gnomAD no frequency). This variant has not been reported in the literature in individuals affected with FOCAD-related conditions. Experimental studies and prediction algorithms are not available or were not evaluated, and the functional significance of this variant is currently unknown. In summary, the available evidence is currently insufficient to determine the role of this variant in disease. Therefore, it has been classified as a Variant of Uncertain Significance.